The following is an entry in ClinVar:

NM_172107.4(KCNQ2):c.1631+1G>A

Gene: KCNQ2 (potassium voltage-gated channel subfamily Q member 2; minus strand). Cytogenetic location: 20q13.33.
Variant type: single nucleotide variant.
Coding change: c.1631+1G>A on transcript NM_172107.4 (MANE Select); the canonical splice donor site of the intron after coding-DNA position 1631, G replaced by A.
Molecular consequence: splice donor variant.
Genome position (GRCh38, 1-based): chr20:63,414,087, C>T on the plus strand (G>A on the coding strand, the complement: KCNQ2 is on the minus strand). VCF-style: chr20-63414087-C-T. GRCh37 (hg19) VCF-style: chr20-62045440-C-T.
Other names: c.1547+1G>A (NM_004518.6); c.1538+1G>A (NM_172108.5); c.1577+1G>A (NM_172106.3, NM_001382235.1); c.1631+1G>A (NM_172107.3).
Identifiers: ClinVar variation 369801 (VCV000369801.6), dbSNP rs1057516121, ClinGen allele CA10654785.

ClinVar aggregate classification (germline): Pathogenic. Review status: criteria provided, single submitter (1 of 4 stars). 3 submissions from 3 submitters: Pathogenic (1). 2 of the submissions do not count toward it. Last evaluated 2020-05-06.

Conditions:
Seizures, benign familial neonatal, 1. Also called: KCNQ2-Related Benign Familial Neonatal Epilepsy; Benign Neonatal Epilepsy 1; KCNQ2-Related Self-Limited Familial Neonatal Epilepsy (SLFNE); Seizures, benign neonatal, 1. Identifiers: Orphanet 1949, MedGen C3149074, MONDO:0007365, OMIM 121200.

Submissions (3):

GeneDx
Classification: Pathogenic. Last evaluated: 2020-05-06. Review status: criteria provided, single submitter. Criteria: GeneDx Variant Classification Process June 2021. Collection method: clinical testing. Allele origin: germline. Affected: yes.
Comment: Canonical splice site variant predicted to result in a null allele in a gene for which loss-of-function is a known mechanism of disease; Not observed in large population cohorts (Lek et al., 2016); This variant is associated with the following publications: (PMID: 20437616, 9425895, 25982755)

Department of Medical and Surgical Sciences, Institute of Neurology, University Magna Graecia of Catanzaro
Classification: Pathogenic for Seizures, benign familial neonatal, 1. Review status: no assertion criteria provided. Collection method: research. Allele origin: paternal, unknown. Inheritance: Autosomal dominant inheritance. Affected: yes. Observed: 3 heterozygotes. Clinical features observed: Focal-onset seizure (HP:0007359), Neonatal seizure (HP:0032807). Not counted in ClinVar's aggregate classification.

GeneReviews
No classification provided. Condition: Seizures, benign familial neonatal, 1. Review status: no classification provided. Collection method: literature only. Allele origin: germline. Affected: yes. Not counted in ClinVar's aggregate classification.
Comment: BFNE (benign familial neonatal epilepsy)

Literature cited by the submitters: PubMed 9425895 (cited by GeneReviews); PubMed 25982755 (cited by GeneReviews); NCBI Bookshelf NBK32534 (cited by GeneReviews).